The following is an entry in ClinVar:

ClinVar aggregate classification (germline): Uncertain significance (1 of 4 stars; one submission).

Conditions:
EGFR-related lung cancer (EGFR). Identifiers: MedGen CN130014.

Submission:

Labcorp Genetics (formerly Invitae), Labcorp
Classification: Uncertain significance for EGFR-related lung cancer. Last evaluated: 2022-07-23. Review status: criteria provided, single submitter. Criteria: Invitae Variant Classification Sherloc (09022015). Collection method: clinical testing. Allele origin: germline.
Comment: This sequence change replaces aspartic acid, which is acidic and polar, with glutamic acid, which is acidic and polar, at codon 896 of the EGFR protein (p.Asp896Glu). In summary, the available evidence is currently insufficient to determine the role of this variant in disease. Therefore, it has been classified as a Variant of Uncertain Significance. Algorithms developed to predict the effect of missense changes on protein structure and function are either unavailable or do not agree on the potential impact of this missense change (SIFT: "Deleterious"; PolyPhen-2: "Probably Damaging"; Align-GVGD: "Class C0"). This variant has not been reported in the literature in individuals affected with EGFR-related conditions. This variant is not present in population databases (gnomAD no frequency).

NM_005228.5(EGFR):c.2688T>A (p.Asp896Glu)

Gene: EGFR (epidermal growth factor receptor; plus strand). Cytogenetic location: 7p11.2.
Variant type: single nucleotide variant.
Coding change: c.2688T>A on transcript NM_005228.5 (MANE Select); coding-DNA position 2688, T replaced by A.
Protein change: p.Asp896Glu; replaces aspartic acid 896 with glutamic acid.
Molecular consequence: missense variant.
Genome position (GRCh38, 1-based): chr7:55,192,828, T>A. VCF-style: chr7-55192828-T-A. GRCh37 (hg19) VCF-style: chr7-55260521-T-A.
Other names: c.2553T>A, p.Asp851Glu (NM_001346897.2, NM_001346899.2); c.2688T>A, p.Asp896Glu (NM_001346898.2); c.2529T>A, p.Asp843Glu (NM_001346900.2); c.1887T>A, p.Asp629Glu (NM_001346941.2); short protein forms D629E, D896E, D843E, D851E.
Identifiers: ClinVar variation 2009335 (VCV002009335.4), dbSNP rs1385329263, ClinGen allele CA367580958.